The following is an entry in ClinVar:

NM_001367561.1(DOCK7):c.2728T>C (p.Ser910Pro)

Gene: DOCK7 (dedicator of cytokinesis 7; minus strand). Cytogenetic location: 1p31.3.
Variant type: single nucleotide variant.
Coding change: c.2728T>C on transcript NM_001367561.1 (MANE Select); coding-DNA position 2728, T replaced by C.
Protein change: p.Ser910Pro; replaces serine 910 with proline.
Molecular consequence: missense variant.
Genome position (GRCh38, 1-based): chr1:62,552,770, A>G on the plus strand (T>C on the coding strand, the complement: DOCK7 is on the minus strand). VCF-style: chr1-62552770-A-G. GRCh37 (hg19) VCF-style: chr1-63018441-A-G.
Other names: c.2728T>C, p.Ser910Pro (NM_001271999.2, NM_001272000.2, NM_001272001.2 and 2 more transcripts); short protein forms S910P.
Identifiers: ClinVar variation 1429302 (VCV001429302.8), dbSNP rs1201006581, ClinGen allele CA340619730.
Genomic context (GRCh38, chr1:62,552,770, plus strand): 5'-CAGATGCATGTCTTCAGTTTACCTTACTCCCGATGATTGATCGAACTTCATCATCTGGTG[A>G]CGTGGGAGTCCCAGATATATCTGGATTGCTATTACTAAGGCTTCGAGAACGATTTAAATT-3'
Protein context (NP_001354490.1, residues 900-920): SNPDISGTPT[Ser910Pro]PDDEVRSIIG

ClinVar aggregate classification (germline): Uncertain significance (1 of 4 stars; one submission).

Conditions:
Developmental and epileptic encephalopathy, 23 (DEE23). Also called: Epileptic encephalopathy, early infantile, 23. Identifiers: Orphanet 411986, MedGen C4014492, MONDO:0014371, OMIM 615859.

Allele frequency attached by ClinVar (database versions not stated): gnomAD exomes below 0.00001; TOPMed 0.00001.
gnomAD v4.1: 1 of 1,613,668 alleles (0.000062%); highest among the groups gnomAD compares: Non-Finnish European, 0.000085%; no homozygotes.

Submission:

Labcorp Genetics (formerly Invitae), Labcorp
Classification: Uncertain significance for Developmental and epileptic encephalopathy, 23. Last evaluated: 2025-04-14. Review status: criteria provided, single submitter. Criteria: Invitae Variant Classification Sherloc (09022015). Collection method: clinical testing. Allele origin: germline.
Comment: This sequence change replaces serine, which is neutral and polar, with proline, which is neutral and non-polar, at codon 910 of the DOCK7 protein (p.Ser910Pro). This variant is not present in population databases (gnomAD no frequency). This variant has not been reported in the literature in individuals affected with DOCK7-related conditions. ClinVar contains an entry for this variant (Variation ID: 1429302). Invitae Evidence Modeling of protein sequence and biophysical properties (such as structural, functional, and spatial information, amino acid conservation, physicochemical variation, residue mobility, and thermodynamic stability) indicates that this missense variant is not expected to disrupt DOCK7 protein function with a negative predictive value of 80%. In summary, the available evidence is currently insufficient to determine the role of this variant in disease. Therefore, it has been classified as a Variant of Uncertain Significance.